The following is an entry in ClinVar:

NM_182643.3(DLC1):c.499G>C (p.Ala167Pro)

Gene: DLC1 (DLC1 Rho GTPase activating protein; minus strand). Cytogenetic location: 8p22.
Variant type: single nucleotide variant.
Coding change: c.499G>C on transcript NM_182643.3 (MANE Select); coding-DNA position 499, G replaced by C.
Protein change: p.Ala167Pro; replaces alanine 167 with proline.
Molecular consequence: missense variant. On other transcripts: 5 prime UTR variant (1).
Genome position (GRCh38, 1-based): chr8:13,499,573, C>G on the plus strand (G>C on the coding strand, the complement: DLC1 is on the minus strand). VCF-style: chr8-13499573-C-G. GRCh37 (hg19) VCF-style: chr8-13357082-C-G.
Other names: c.499G>C, p.Ala167Pro (NM_001348081.2, NM_001413124.1, NM_001413125.1 and 1 more transcripts); c.-953G>C (NM_001348082.2); c.499G>C (NM_182643.2); short protein forms A167P.
Identifiers: ClinVar variation 1924963 (VCV001924963.6), dbSNP rs754527270, ClinGen allele CA4639482.

ClinVar aggregate classification (germline): Uncertain significance. Review status: criteria provided, multiple submitters, no conflicts (2 of 4 stars). 2 submissions from 2 submitters: Uncertain significance (2). Last evaluated 2025-04-10.

gnomAD v4.1: 12 of 1,614,170 alleles (0.00074%); highest among the groups gnomAD compares: Admixed American, 0.012%; no homozygotes.

Submissions (2):

Ambry Genetics
Classification: Uncertain significance. Last evaluated: 2025-04-10. Review status: criteria provided, single submitter. Criteria: Ambry Variant Classification Scheme 2023. Collection method: clinical testing. Allele origin: germline.

Labcorp Genetics (formerly Invitae), Labcorp
Classification: Uncertain significance. Last evaluated: 2024-06-03. Review status: criteria provided, single submitter. Criteria: Invitae Variant Classification Sherloc (09022015). Collection method: clinical testing. Allele origin: germline.
Comment: This sequence change replaces alanine, which is neutral and non-polar, with proline, which is neutral and non-polar, at codon 167 of the DLC1 protein (p.Ala167Pro). This variant is present in population databases (rs754527270, gnomAD 0.02%). This variant has not been reported in the literature in individuals affected with DLC1-related conditions. ClinVar contains an entry for this variant (Variation ID: 1924963). An algorithm developed to predict the effect of missense changes on protein structure and function (PolyPhen-2) suggests that this variant is likely to be disruptive. In summary, the available evidence is currently insufficient to determine the role of this variant in disease. Therefore, it has been classified as a Variant of Uncertain Significance.